The following is an entry in ClinVar:

ClinVar aggregate classification (germline): Likely pathogenic (1 of 4 stars; one submission).

Conditions:
SIAH1-related neurodevelopmental disorder.

Submission:

Rady Children's Institute for Genomic Medicine, Rady Children's Hospital San Diego
Classification: Likely pathogenic for SIAH1-related neurodevelopmental disorder. Last evaluated: 2025-06-07. Review status: criteria provided, single submitter. Criteria: ACMG Guidelines, 2015. Collection method: clinical testing. Allele origin: germline. Affected: yes.
Comment: The SIAH1 gene is constrained against variation (Z-score= 4.84 and pLI = 1), and missense variants have been reported in individuals with SIAH1-related neurodevelopmental disorder (HGMD, ClinVar database; PMID: 32430360, 40156476). The c.260T>C (p.Met87Thr) variant affects a highly conserved amino acid; however, in silico tools used to predict the effect of this variant on protein function yield discordant results. This variant has not been previously reported or functionally characterized in the literature to our knowledge. The c.260T>C (p.Met87Thr) variant is absent from the latest version of the gnomAD population database and thus is presumed to be rare. Based on parental analysis, this variant likely occurred as a de novo event. Based on the available evidence, c.260T>C (p.Met87Thr) is classified as Likely Pathogenic.

Literature cited by the submitters: PubMed 32430360; PubMed 40156476.

NM_003031.4(SIAH1):c.260T>C (p.Met87Thr)

Genes: LONP2 (lon peptidase 2, peroxisomal; plus strand), SIAH1 (siah E3 ubiquitin protein ligase 1; minus strand). Cytogenetic location: 16q12.1.
Variant type: single nucleotide variant.
Coding change: c.260T>C on transcript NM_003031.4 (MANE Select); coding-DNA position 260, T replaced by C.
Protein change: p.Met87Thr; replaces methionine 87 with threonine.
Molecular consequence: missense variant. On other transcripts: 3 prime UTR variant (1).
Genome position (GRCh38, 1-based): chr16:48,362,169, A>G on the plus strand (T>C on the coding strand, the complement: SIAH1 is on the minus strand). VCF-style: chr16-48362169-A-G. GRCh37 (hg19) VCF-style: chr16-48396080-A-G.
Other names: c.353T>C, p.Met118Thr (NM_001006610.2); c.*573A>G (NM_001348078.2); short protein forms M118T, M87T.
Identifiers: ClinVar variation 4814210 (VCV004814210.1).